The following is an entry in ClinVar:

ClinVar aggregate classification (germline): Uncertain significance (1 of 4 stars; one submission).

Submission:

Labcorp Genetics (formerly Invitae), Labcorp
Classification: Uncertain significance. Last evaluated: 2024-05-29. Review status: criteria provided, single submitter. Criteria: Invitae Variant Classification Sherloc (09022015). Collection method: clinical testing. Allele origin: germline.
Comment: This sequence change replaces lysine, which is basic and polar, with arginine, which is basic and polar, at codon 1622 of the ABCA4 protein (p.Lys1622Arg). This variant is not present in population databases (gnomAD no frequency). This variant has not been reported in the literature in individuals affected with ABCA4-related conditions. Advanced modeling of protein sequence and biophysical properties (such as structural, functional, and spatial information, amino acid conservation, physicochemical variation, residue mobility, and thermodynamic stability) has been performed at Invitae for this missense variant, however the output from this modeling did not meet the statistical confidence thresholds required to predict the impact of this variant on ABCA4 protein function. In summary, the available evidence is currently insufficient to determine the role of this variant in disease. Therefore, it has been classified as a Variant of Uncertain Significance.

NM_000350.3(ABCA4):c.4865A>G (p.Lys1622Arg)

Genes: ABCA4 (ATP binding cassette subfamily A member 4; minus strand), LOC126805793 (CDK7 strongly-dependent group 2 enhancer GRCh37_chr1:94486302-94487501; plus strand). Cytogenetic location: 1p22.1.
Variant type: single nucleotide variant.
Coding change: c.4865A>G on transcript NM_000350.3 (MANE Select); coding-DNA position 4865, A replaced by G.
Protein change: p.Lys1622Arg; replaces lysine 1622 with arginine.
Molecular consequence: missense variant.
Genome position (GRCh38, 1-based): chr1:94,021,393, T>C on the plus strand (A>G on the coding strand, the complement: ABCA4 is on the minus strand). VCF-style: chr1-94021393-T-C. GRCh37 (hg19) VCF-style: chr1-94486949-T-C.
Other names: c.4643A>G, p.Lys1548Arg (NM_001425324.1); short protein forms K1548R, K1622R.
Identifiers: ClinVar variation 3632369 (VCV003632369.2).
Genomic context (GRCh38, chr1:94,021,393, plus strand): 5'-CTGGCCCGTAAGATGGCGTTGTGGGCCACATTGAGAAAGCTGACCAGGGCATGCCAGCCT[T>C]TGTTATTAAACCACACCTAGAGGGTGGAGAGGACATCTGAGACGCTGCACTAACAGCTAG-3'
Protein context (NP_000341.2, residues 1612-1632): EDNIKVWFNN[Lys1622Arg]GWHALVSFLN